The following is an entry in ClinVar:

ClinVar aggregate classification (germline): Conflicting classifications of pathogenicity. Review status: criteria provided, conflicting classifications (1 of 4 stars). 2 submissions from 2 submitters: Uncertain significance (1); Likely benign (1). Last evaluated 2022-10-02.

Conditions:
Inborn genetic diseases. Identifiers: MedGen C0950123, MeSH D030342.
Mosaic variegated aneuploidy syndrome 1 (MVA1). Also called: Warburton-Anyane-Yeboa syndrome. Identifiers: Orphanet 1052, MedGen C1850343, MONDO:0009759, OMIM 257300.

Allele frequency attached by ClinVar (database versions not stated): ExAC 0.00001; gnomAD 0.00001; TOPMed 0.00001.
gnomAD v4.1: 4 of 1,613,406 alleles (0.00025%); highest among the groups gnomAD compares: South Asian, 0.0011%; 1 homozygote.

Submissions (2):

Ambry Genetics
Classification: Likely benign for Inborn genetic diseases. Last evaluated: 2022-10-02. Review status: criteria provided, single submitter. Criteria: Ambry Variant Classification Scheme 2023. Collection method: clinical testing. Allele origin: germline.

Labcorp Genetics (formerly Invitae), Labcorp
Classification: Uncertain significance for Mosaic variegated aneuploidy syndrome 1. Last evaluated: 2018-08-05. Review status: criteria provided, single submitter. Criteria: Invitae Variant Classification Sherloc (09022015). Collection method: clinical testing. Allele origin: germline.
Comment: This sequence change affects codon 80 of the BUB1B mRNA. It is a 'silent' change, meaning that it does not change the encoded amino acid sequence of the BUB1B protein. This variant is present in population databases (rs772218663, ExAC 0.006%). This variant has not been reported in the literature in individuals with BUB1B-related disease. Algorithms developed to predict the effect of sequence changes on RNA splicing suggest that this variant is not likely to affect RNA splicing, but this prediction has not been confirmed by published transcriptional studies. In summary, the available evidence is currently insufficient to determine the role of this variant in disease. Therefore, it has been classified as a Variant of Uncertain Significance.

NM_001211.6(BUB1B):c.240G>A (p.Arg80=)

Gene: BUB1B (BUB1 mitotic checkpoint serine/threonine kinase B; plus strand). Cytogenetic location: 15q15.1.
Variant type: single nucleotide variant.
Coding change: c.240G>A on transcript NM_001211.6 (MANE Select); coding-DNA position 240, G replaced by A.
Protein change: p.Arg80=; no amino-acid change (arginine 80 retained).
Molecular consequence: synonymous variant.
Genome position (GRCh38, 1-based): chr15:40,170,537, G>A. VCF-style: chr15-40170537-G-A. GRCh37 (hg19) VCF-style: chr15-40462738-G-A.
Identifiers: ClinVar variation 647348 (VCV000647348.12), dbSNP rs772218663, ClinGen allele CA7475433.